The following is an entry in ClinVar:

GRCh37/hg19 18q11.2-23(chr18:19309942-78014123)x3

Genes: ACAA2 (acetyl-CoA acyltransferase 2; minus strand), ADNP2 (ADNP homeobox 2; plus strand), ALPK2 (alpha kinase 2; minus strand), ANKRD29 (ankyrin repeat domain 29; minus strand), AQP4 (aquaporin 4; minus strand) and 192 more. Cytogenetic location: 18q11.2-23.
Variant type: copy number gain.
Change: copy number 3 (three copies instead of two) of chr18:19,309,942-78,014,123 (58.70 Mb, GRCh37 coordinates, 1-based), cytogenetic band 18q11.2-23.
Identifiers: ClinVar variation 3391862 (VCV003391862.1).

ClinVar aggregate classification (germline): Pathogenic (1 of 4 stars; one submission).

Submission:

Quest Diagnostics Nichols Institute San Juan Capistrano
Classification: Pathogenic. Last evaluated: 2024-04-25. Review status: criteria provided, single submitter. Criteria: ACMG/ClinGen CNV Guidelines, 2019. Collection method: clinical testing. Allele origin: unknown.
Comment: Duplications of 18q have been observed in individuals with variable phenotypes comparable to full trisomy 18 (Edwards syndrome) (Balasundaram 2024, Cereda 2012). Based on gene count and content, this CNV is classified as pathogenic. References: Balasundaram et al., StatPearls [2024 Jan]. PMID: 34033359; Cereda et al., Orphanet J Rare Dis. 2012 Oct 23:7:81. PMID: 23088440